The following is an entry in ClinVar:

ClinVar aggregate classification (germline): Likely pathogenic (1 of 4 stars; one submission).

Submission:

Labcorp Genetics (formerly Invitae), Labcorp
Classification: Likely pathogenic. Last evaluated: 2025-06-06. Review status: criteria provided, single submitter. Criteria: Invitae Variant Classification Sherloc (09022015). Collection method: clinical testing. Allele origin: germline.
Comment: This sequence change affects a donor splice site in intron 3 of the COL9A3 gene. Variants that disrupt the donor or acceptor splice site typically lead to a loss of protein function (PMID: 16199547), however it is unknown whether splice variants in this region will result in a loss of function. This variant is not present in population databases (gnomAD no frequency). Disruption of this splice site has been observed in individual(s) with clinical features of multiple epiphyseal dysplasia (internal data). It has also been observed to segregate with disease in related individuals. ClinVar contains an entry for this variant (Variation ID: 1509576). Algorithms developed to predict the effect of sequence changes on RNA splicing suggest that this variant may disrupt the consensus splice site. In summary, the currently available evidence indicates that the variant is pathogenic, but additional data are needed to prove that conclusively. Therefore, this variant has been classified as Likely Pathogenic.

Literature cited by the submitters: PubMed 16199547.

NM_001853.4(COL9A3):c.183+1G>C

Gene: COL9A3 (collagen type IX alpha 3 chain; plus strand). Cytogenetic location: 20q13.33.
Variant type: single nucleotide variant.
Coding change: c.183+1G>C on transcript NM_001853.4 (MANE Select); the canonical splice donor site of the intron after coding-DNA position 183, G replaced by C.
Molecular consequence: splice donor variant.
Genome position (GRCh38, 1-based): chr20:62,818,554, G>C. VCF-style: chr20-62818554-G-C. GRCh37 (hg19) VCF-style: chr20-61449906-G-C.
Identifiers: ClinVar variation 1509576 (VCV001509576.6), dbSNP rs2147195548, ClinGen allele CA409587475.